The following is an entry in ClinVar:

ClinVar aggregate classification (germline): Pathogenic. Review status: criteria provided, single submitter (1 of 4 stars). 2 submissions from 2 submitters: Pathogenic (1). 1 of the submissions does not count toward it. Last evaluated 2020-01-21.

Conditions:
von Willebrand disease type 2 (VWD2). Also called: VON WILLEBRAND DISEASE, TYPE 2A/IIE; VON WILLEBRAND DISEASE, TYPE 2CB; VON WILLEBRAND DISEASE, TYPE II; VWD, TYPE 2. Identifiers: Orphanet 166081, Orphanet 903, MedGen C1264040, MONDO:0013304, OMIM 613554.
von Willebrand disease type 3 (VWD3). Also called: Type 3 Von Willebrand's disease; Type 3 VWD; Von Willebrand disease, severe form; V WD3; VON WILLEBRAND DISEASE, TYPE III. Identifiers: Orphanet 166096, MedGen C1264041, MONDO:0010191, OMIM 277480.

Submissions (2):

Centre for Mendelian Genomics, University Medical Centre Ljubljana
Classification: Pathogenic for von Willebrand disease type 2. Last evaluated: 2020-01-21. Review status: criteria provided, single submitter. Criteria: ACMG Guidelines, 2015. Collection method: clinical testing. Allele origin: unknown. Affected: yes.
Comment: This variant was classified as: Pathogenic. The following ACMG criteria were applied in classifying this variant: PVS1,PS3,PM2,PP3,PP5.

Angelo Bianchi Bonomi Hemophilia and Thrombosis Center, Fondazione IRCCS Ca Granda Ospedale Maggiore Policlinico
Classification: Likely pathogenic for von Willebrand disease type 3. Last evaluated: 2020-11-01. Review status: no assertion criteria provided. Collection method: clinical testing. Allele origin: germline. Affected: yes. Study: Type 3 Von Willebrand International Registries Inhibitor Prospective Study (3WINTERS-IPS). Not counted in ClinVar's aggregate classification.
Comment: ClinGen Pathogenicity Calculator

NM_000552.5(VWF):c.7770+1G>T

Gene: VWF (von Willebrand factor; minus strand). Cytogenetic location: 12p13.31.
Variant type: single nucleotide variant.
Coding change: c.7770+1G>T on transcript NM_000552.5 (MANE Select); the canonical splice donor site of the intron after coding-DNA position 7770, G replaced by T.
Molecular consequence: splice donor variant.
Genome position (GRCh38, 1-based): chr12:5,968,126, C>A on the plus strand (G>T on the coding strand, the complement: VWF is on the minus strand). VCF-style: chr12-5968126-C-A. GRCh37 (hg19) VCF-style: chr12-6077292-C-A.
Identifiers: ClinVar variation 931248 (VCV000931248.6), dbSNP rs200770256, ClinGen allele CA383489105.